The following is an entry in ClinVar:

NM_000053.4(ATP7B):c.1870-1G>A

Gene: ATP7B (ATPase copper transporting beta; minus strand). Cytogenetic location: 13q14.3.
Variant type: single nucleotide variant.
Coding change: c.1870-1G>A on transcript NM_000053.4 (MANE Select); the canonical splice acceptor site of the intron before coding-DNA position 1870, G replaced by A.
Molecular consequence: splice acceptor variant. On other transcripts: intron variant (13).
Genome position (GRCh38, 1-based): chr13:51,961,914, C>T on the plus strand (G>A on the coding strand, the complement: ATP7B is on the minus strand). VCF-style: chr13-51961914-C-T. GRCh37 (hg19) VCF-style: chr13-52536050-C-T.
Other names: c.1869+2958G>A (NM_001406541.1, NM_001406531.1, NM_001406532.1 and 5 more transcripts); c.1870-1G>A (NM_001406527.1, NM_001406537.1, NM_001406521.1 and 16 more transcripts); c.1773+2958G>A (NM_001406543.1, NM_001406544.1); c.1537-1G>A (NM_001243182.2); c.1286-11753G>A (NM_001406548.1); c.1837-1G>A (NM_001406524.1, NM_001406514.1); c.1708-4307G>A (NM_001406547.1, NM_001406545.1); c.1774-1G>A (NM_001406518.1, NM_001406536.1, NM_001406530.1 and 1 more transcripts); and 1 more.
Identifiers: ClinVar variation 5003771 (VCV005003771.1).

ClinVar aggregate classification (germline): Likely pathogenic (1 of 4 stars; one submission).

Conditions:
Wilson disease (WND). Also called: Wilson's disease. Identifiers: Orphanet 905, MedGen C0019202, MONDO:0010200, OMIM 277900. Disease mechanism: loss of function.

gnomAD v4.1: 2 of 1,612,198 alleles (0.00012%); highest among the groups gnomAD compares: African/African-American, 0.0013%; no homozygotes.

Submission:

Myriad Genetics, Inc.
Classification: Likely pathogenic for Wilson disease. Last evaluated: 2026-02-20. Review status: criteria provided, single submitter. Criteria: Myriad Autosomal Dominant, Autosomal Recessive and X-Linked Classification Criteria (2023). Collection method: clinical testing. Allele origin: unknown.
Comment: NM_000053.3(ATP7B):c.1870-1G>A is a variant in a canonical splice site classified as likely pathogenic in the context of Wilson disease. c.1870-1G>A has not been observed in cases with relevant disease. Relevant functional assessments of this variant are not available in the literature. c.1870-1G>A has been observed in referenced population frequency databases. In summary, NM_000053.3(ATP7B):c.1870-1G>A is a variant in a canonical splice site in a gene where loss of function is a known mechanism of disease and is predicted to disrupt protein function. Please note: this variant was assessed in the context of healthy population screening.